The following is an entry in ClinVar:

ClinVar aggregate classification (germline): Pathogenic (1 of 4 stars; one submission).

Submission:

Labcorp Genetics (formerly Invitae), Labcorp
Classification: Pathogenic. Last evaluated: 2025-11-28. Review status: criteria provided, single submitter. Criteria: Invitae Variant Classification Sherloc (09022015). Collection method: clinical testing. Allele origin: germline.
Comment: This sequence change creates a premature translational stop signal (p.Trp105*) in the SI gene. It is expected to result in an absent or disrupted protein product. Loss-of-function variants in SI are known to be pathogenic (PMID: 16329100, 23103650, 25452324). This variant is not present in population databases (gnomAD no frequency). This variant has not been reported in the literature in individuals affected with SI-related conditions. Algorithms developed to predict the effect of sequence changes on RNA splicing suggest that this variant may disrupt the consensus splice site. For these reasons, this variant has been classified as Pathogenic.

Literature cited by the submitters: PubMed 16329100; PubMed 23103650; PubMed 25452324.

NM_001041.4(SI):c.314G>A (p.Trp105Ter)

Gene: SI (sucrase-isomaltase; minus strand). Cytogenetic location: 3q26.1.
Variant type: single nucleotide variant.
Coding change: c.314G>A on transcript NM_001041.4 (MANE Select); coding-DNA position 314, G replaced by A.
Protein change: p.Trp105Ter; replaces tryptophan 105 with a stop codon.
Molecular consequence: nonsense.
Genome position (GRCh38, 1-based): chr3:165,069,137, C>T on the plus strand (G>A on the coding strand, the complement: SI is on the minus strand). VCF-style: chr3-165069137-C-T. GRCh37 (hg19) VCF-style: chr3-164786925-C-T.
Other names: short protein forms W105*.
Identifiers: ClinVar variation 4729267 (VCV004729267.1).